The following is an entry in ClinVar:

ClinVar aggregate classification (germline): Conflicting classifications of pathogenicity. Review status: criteria provided, conflicting classifications (1 of 4 stars). 4 submissions from 4 submitters: Uncertain significance (3); Likely benign (1). Last evaluated 2025-02-18.

Conditions:
Familial adenomatous polyposis 1 (FAP1). Also called: FAMILIAL ADENOMATOUS POLYPOSIS 1, ATTENUATED; POLYPOSIS, ADENOMATOUS INTESTINAL. Identifiers: MedGen C2713442, MONDO:0021056, OMIM 175100. Disease mechanism: loss of function.
Classic or attenuated familial adenomatous polyposis. Identifiers: MedGen CN372698, MONDO:0021057.
Hereditary cancer-predisposing syndrome. Also called: Tumor predisposition; Hereditary Cancer Syndrome; Neoplastic Syndromes, Hereditary; Hereditary neoplastic syndrome. Identifiers: Orphanet 140162, MedGen C0027672, MeSH D009386, MONDO:0015356.

Allele frequency attached by ClinVar (database versions not stated): TOPMed below 0.00001; gnomAD 0.00001.
gnomAD v4.1: 1 of 1,614,032 alleles (0.000062%); highest among the groups gnomAD compares: Non-Finnish European, 0.000085%; no homozygotes.

Submissions (4):

Ambry Genetics
Classification: Likely benign for Hereditary cancer-predisposing syndrome. Last evaluated: 2025-02-18. Review status: criteria provided, single submitter. Criteria: Ambry Variant Classification Scheme 2023. Collection method: clinical testing. Allele origin: germline.

Labcorp Genetics (formerly Invitae), Labcorp
Classification: Uncertain significance for Familial adenomatous polyposis 1. Last evaluated: 2025-01-29. Review status: criteria provided, single submitter. Criteria: Invitae Variant Classification Sherloc (09022015). Collection method: clinical testing. Allele origin: germline.
Comment: This sequence change replaces glycine, which is neutral and non-polar, with aspartic acid, which is acidic and polar, at codon 977 of the APC protein (p.Gly977Asp). This variant is not present in population databases (gnomAD no frequency). This variant has not been reported in the literature in individuals affected with APC-related conditions. ClinVar contains an entry for this variant (Variation ID: 822281). Invitae Evidence Modeling of protein sequence and biophysical properties (such as structural, functional, and spatial information, amino acid conservation, physicochemical variation, residue mobility, and thermodynamic stability) indicates that this missense variant is not expected to disrupt APC protein function with a negative predictive value of 95%. In summary, the available evidence is currently insufficient to determine the role of this variant in disease. Therefore, it has been classified as a Variant of Uncertain Significance.

Color Diagnostics, LLC DBA Color Health
Classification: Uncertain significance for Hereditary cancer-predisposing syndrome. Last evaluated: 2024-05-07. Review status: criteria provided, single submitter. Criteria: ACMG Guidelines, 2015. Collection method: clinical testing. Allele origin: germline.
Comment: This missense variant replaces glycine with aspartic acid at codon 977 of the APC protein. Computational prediction suggests that this variant may not impact protein structure and function (internally defined REVEL score threshold <= 0.5, PMID: 27666373). To our knowledge, functional studies have not been reported for this variant. This variant has not been reported in individuals affected with APC-related disorders in the literature. This variant has not been identified in the general population by the Genome Aggregation Database (gnomAD). The available evidence is insufficient to determine the role of this variant in disease conclusively. Therefore, this variant is classified as a Variant of Uncertain Significance.

All of Us Research Program, National Institutes of Health
Classification: Uncertain significance for Classic or attenuated familial adenomatous polyposis. Last evaluated: 2023-08-15. Review status: criteria provided, single submitter. Criteria: ACMG Guidelines, 2015. Collection method: clinical testing. Allele origin: germline. Inheritance: Autosomal dominant inheritance. Observed: 1 variant allele, 1 heterozygote.
Comment: This study involves interpretation of variants in research participants for the purpose of population health screening. Participant phenotype was not available at the time of variant classification. Additional details can be found in publication PMID: 35346344, PMCID: PMC8962531

NM_000038.6(APC):c.2930G>A (p.Gly977Asp)

Gene: APC (APC regulator of Wnt signaling pathway; plus strand). Cytogenetic location: 5q22.2.
Variant type: single nucleotide variant.
Coding change: c.2930G>A on transcript NM_000038.6 (MANE Select); coding-DNA position 2930, G replaced by A.
Protein change: p.Gly977Asp; replaces glycine 977 with aspartic acid.
Molecular consequence: missense variant.
Genome position (GRCh38, 1-based): chr5:112,838,524, G>A. VCF-style: chr5-112838524-G-A. GRCh37 (hg19) VCF-style: chr5-112174221-G-A.
Other names: c.2930G>A, p.Gly977Asp (NM_001127510.3, NM_001354895.2); c.2876G>A, p.Gly959Asp (NM_001127511.3); c.2984G>A, p.Gly995Asp (NM_001354896.2); c.2960G>A, p.Gly987Asp (NM_001354897.2); c.2855G>A, p.Gly952Asp (NM_001354898.2); c.2846G>A, p.Gly949Asp (NM_001354899.2); c.2807G>A, p.Gly936Asp (NM_001354900.2); c.2753G>A, p.Gly918Asp (NM_001354901.2); and 5 more; short protein forms G876D, G886D, G918D, G959D, G949D, G977D, G987D, G851D.
Identifiers: ClinVar variation 822281 (VCV000822281.18), dbSNP rs749807999, ClinGen allele CA16027732.